The following is an entry in ClinVar:

NM_007294.4(BRCA1):c.2758G>T (p.Val920Leu)

Gene: BRCA1 (BRCA1 DNA repair associated; minus strand). Cytogenetic location: 17q21.31.
Variant type: single nucleotide variant.
Coding change: c.2758G>T on transcript NM_007294.4 (MANE Select); coding-DNA position 2758, G replaced by T.
Protein change: p.Val920Leu; replaces valine 920 with leucine.
Molecular consequence: missense variant. On other transcripts: intron variant (137).
Genome position (GRCh38, 1-based): chr17:43,092,773, C>A on the plus strand (G>T on the coding strand, the complement: BRCA1 is on the minus strand). VCF-style: chr17-43092773-C-A. GRCh37 (hg19) VCF-style: chr17-41244790-C-A.
Other names: c.2617G>T, p.Val873Leu (NM_001407945.1, NM_007297.4, NM_001407692.1 and 29 more transcripts); c.2425G>T, p.Val809Leu (NM_001407946.1, NM_001407947.1, NM_001407948.1 and 6 more transcripts); c.2422G>T, p.Val808Leu (NM_001407954.1, NM_001407955.1, NM_001407956.1 and 1 more transcripts); c.2377G>T, p.Val793Leu (NM_001407959.1, NM_001407960.1, NM_001407963.1); c.2374G>T, p.Val792Leu (NM_001407962.1); c.2614G>T, p.Val872Leu (NM_001407964.1, NM_001407740.1, NM_001407741.1 and 20 more transcripts); c.2254G>T, p.Val752Leu (NM_001407965.1); c.1870G>T, p.Val624Leu (NM_001407966.1, NM_001407967.1); and 41 more; short protein forms V920L, V873L, V832L, V850L, V852L, V872L, V878L, V917L.
Identifiers: ClinVar variation 567742 (VCV000567742.21), dbSNP rs80357361, ClinGen allele CA10596474.
Genomic context (GRCh38, chr17:43,092,773, plus strand): 5'-CAACTGGCTTATCTTTCTGACCAACCACAGGAAAGCCTGCAGTGATATTAACTGTCTGTA[C>A]AGGCTTGATATTAGACTCATTCTTTCCTTGATTTTCTTCCTTTTGTTCACATTCAAAAGT-3'
Protein context (NP_009225.1, residues 910-930): QGKNESNIKP[Val920Leu]QTVNITAGFP

ClinVar aggregate classification (germline): Conflicting classifications of pathogenicity. Review status: criteria provided, conflicting classifications (1 of 4 stars). 5 submissions from 5 submitters: Uncertain significance (4); Likely benign (1). Last evaluated 2026-01-06.

Conditions:
Hereditary cancer-predisposing syndrome. Also called: Neoplastic Syndromes, Hereditary; Tumor predisposition; Hereditary neoplastic syndrome; Hereditary Cancer Syndrome. Identifiers: Orphanet 140162, MedGen C0027672, MeSH D009386, MONDO:0015356.
Hereditary breast ovarian cancer syndrome. Also called: Hereditary breast and ovarian cancer syndrome (HBOC); Hereditary breast and ovarian cancer; Hereditary breast and/or ovarian cancer syndrome; Hereditary breast and ovarian cancer syndrome; Breast and ovarian cancer; BRCA1- and BRCA2-Associated Hereditary Breast and Ovarian Cancer. Identifiers: Orphanet 145, MedGen C0677776, MeSH D061325, MONDO:0003582. Disease mechanism: loss of function.

Allele frequency attached by ClinVar (database versions not stated): gnomAD 0.00003.
gnomAD v4.1: 1 of 1,613,942 alleles (0.000062%); highest among the groups gnomAD compares: African/African-American, 0.0013%; no homozygotes.

Submissions (5):

Labcorp Genetics (formerly Invitae), Labcorp
Classification: Uncertain significance for Hereditary breast ovarian cancer syndrome. Last evaluated: 2026-01-06. Review status: criteria provided, single submitter. Criteria: Invitae Variant Classification Sherloc (09022015). Collection method: clinical testing. Allele origin: germline.
Comment: This sequence change replaces valine, which is neutral and non-polar, with leucine, which is neutral and non-polar, at codon 920 of the BRCA1 protein (p.Val920Leu). This variant is present in population databases (no rsID available, gnomAD 0.01%). This variant has not been reported in the literature in individuals affected with BRCA1-related conditions. ClinVar contains an entry for this variant (Variation ID: 567742). Invitae Evidence Modeling of protein sequence and biophysical properties (such as structural, functional, and spatial information, amino acid conservation, physicochemical variation, residue mobility, and thermodynamic stability) indicates that this missense variant is not expected to disrupt BRCA1 protein function with a negative predictive value of 80%. In summary, the available evidence is currently insufficient to determine the role of this variant in disease. Therefore, it has been classified as a Variant of Uncertain Significance.

Ambry Genetics
Classification: Uncertain significance for Hereditary cancer-predisposing syndrome. Last evaluated: 2025-01-31. Review status: criteria provided, single submitter. Criteria: Ambry Variant Classification Scheme 2023. Collection method: clinical testing. Allele origin: germline.
Comment: The p.V920L variant (also known as c.2758G>T), located in coding exon 9 of the BRCA1 gene, results from a G to T substitution at nucleotide position 2758. The valine at codon 920 is replaced by leucine, an amino acid with highly similar properties. This amino acid position is not well conserved in available vertebrate species. In addition, this alteration is predicted to be tolerated by in silico analysis. Based on the available evidence, the clinical significance of this variant remains unclear.

Quest Diagnostics Nichols Institute San Juan Capistrano
Classification: Uncertain significance. Last evaluated: 2024-11-14. Review status: criteria provided, single submitter. Criteria: Quest Diagnostics criteria. Collection method: clinical testing. Allele origin: unknown.
Comment: The BRCA1 c.2758G>T (p.Val920Leu) variant has been reported to be located in a region of the BRCA1 gene that is tolerant to missense sequence changes (PMID: 31911673 (2020)). To the best of our knowledge, this variant has not been reported in individuals with BRCA1-related disorders. The frequency of this variant in the general population, 0.00011 (1/8716 chromosomes (Genome Aggregation Database)), is uninformative in the assessment of its pathogenicity. Analysis of this variant using bioinformatics tools for the prediction of the effect of amino acid changes on protein structure and function yielded conflicting predictions that this variant is benign or damaging. Based on the available information, we are unable to determine the clinical significance of this variant.

University of Washington Department of Laboratory Medicine, University of Washington
Classification: Likely benign for Hereditary cancer-predisposing syndrome. Last evaluated: 2023-03-23. Review status: criteria provided, single submitter. Criteria: Dines et al. (Genet Med. 2020). Collection method: curation. Allele origin: germline.
Comment: Missense variant in a coldspot region where missense variants are very unlikely to be pathogenic (PMID:31911673).

BRCA1 coldspot (exon 11 using historical exon numbering). Reclassification based on statistical prior probability

Women's Health and Genetics/Laboratory Corporation of America, LabCorp
Classification: Uncertain significance. Last evaluated: 2020-07-04. Review status: criteria provided, single submitter. Criteria: LabCorp Variant Classification Summary - May 2015. Collection method: clinical testing. Allele origin: germline.
Comment: Variant summary: BRCA1 c.2758G>T (p.Val920Leu) results in a conservative amino acid change in the encoded protein sequence. Four of five in-silico tools predict a benign effect of the variant on protein function. The variant was absent in 250896 control chromosomes. The available data on variant occurrences in the general population are insufficient to allow any conclusion about variant significance. To our knowledge, no occurrence of c.2758G>T in individuals affected with Hereditary Breast And Ovarian Cancer Syndrome and no experimental evidence demonstrating its impact on protein function have been reported. Two clinical diagnostic laboratories have submitted clinical-significance assessments for this variant to ClinVar after 2014 without evidence for independent evaluation. All laboratories classified the variant as uncertain significance. Based on the evidence outlined above, the variant was classified as uncertain significance.

Literature cited by the submitters: PubMed 31911673 (cited by Quest Diagnostics Nichols Institute San Juan Capistrano); PubMed 32377563 (cited by Quest Diagnostics Nichols Institute San Juan Capistrano); PubMed 29884841 (cited by Quest Diagnostics Nichols Institute San Juan Capistrano).